The following is an entry in ClinVar:

ClinVar aggregate classification (germline): Conflicting classifications of pathogenicity. Review status: criteria provided, conflicting classifications (1 of 4 stars). 11 submissions from 10 submitters: Uncertain significance (1); Benign (7); Likely benign (3). Last evaluated 2026-08-01.

Conditions:
Cardiovascular phenotype. Identifiers: MedGen CN230736.
Cardiomyopathy (CMYO). Also called: Cardiomyopathies. Identifiers: Orphanet 167848, MedGen C0878544, MONDO:0004994, HP:0001638. Inheritance: Various modes of inheritance.
Catecholaminergic polymorphic ventricular tachycardia 1. Also called: RYR2-Related Catecholaminergic Polymorphic Ventricular Tachycardia; VENTRICULAR TACHYCARDIA, STRESS-INDUCED POLYMORPHIC 1; VENTRICULAR TACHYCARDIA, CATECHOLAMINERGIC POLYMORPHIC, 1, WITH OR WITHOUT ATRIAL DYSFUNCTION AND/OR DILATED CARDIOMYOPATHY. Identifiers: Orphanet 3286, MedGen C1631597, MONDO:0011484, OMIM 604772.
Arrhythmogenic right ventricular dysplasia 2. Identifiers: MedGen C1832931.
Catecholaminergic polymorphic ventricular tachycardia (CVPT). Also called: Catecholamine-induced polymorphic ventricular tachycardia. Identifiers: Orphanet 3286, MedGen C5574922, MONDO:0017990.

Allele frequency attached by ClinVar (database versions not stated): ESP Exome Variant Server 0.00033; ExAC 0.00090; TOPMed 0.00058.
gnomAD v4.1: 853 of 1,611,408 alleles (0.053%); highest among the groups gnomAD compares: Non-Finnish European, 0.016%; 2 homozygotes.

Submissions (11):

CeGaT Center for Human Genetics Tuebingen
Classification: Likely benign. Last evaluated: 2026-08-01. Review status: criteria provided, single submitter. Criteria: CeGaT Center For Human Genetics Tuebingen Variant Classification Criteria Version 2. Collection method: clinical testing. Allele origin: germline. Affected: yes. Observed: 41 variant alleles.
Comment: RYR2: BP4, BP7, BS1

Labcorp Genetics (formerly Invitae), Labcorp
Classification: Benign for Catecholaminergic polymorphic ventricular tachycardia 1. Last evaluated: 2026-02-03. Review status: criteria provided, single submitter. Criteria: Invitae Variant Classification Sherloc (09022015). Collection method: clinical testing. Allele origin: germline.

Blueprint Genetics
Classification: Benign. Last evaluated: 2024-11-18. Review status: criteria provided, single submitter. Criteria: ACMG Guidelines, 2015. Collection method: clinical testing. Allele origin: germline.

All of Us Research Program, National Institutes of Health
Classification: Benign for Catecholaminergic polymorphic ventricular tachycardia. Last evaluated: 2024-02-05. Review status: criteria provided, single submitter. Criteria: ACMG Guidelines, 2015. Collection method: clinical testing. Allele origin: germline. Inheritance: Autosomal dominant inheritance. Observed: 235 variant alleles, 234 heterozygotes, 1 homozygote.
Comment: This study involves interpretation of variants in research participants for the purpose of population health screening. Participant phenotype was not available at the time of variant classification. Additional details can be found in publication PMID: 35346344, PMCID: PMC8962531

Color Diagnostics, LLC DBA Color Health
Classification: Benign for Cardiomyopathy. Last evaluated: 2018-03-23. Review status: criteria provided, single submitter. Criteria: ACMG Guidelines, 2015. Collection method: clinical testing. Allele origin: germline.

Illumina Laboratory Services, Illumina
Classification: Likely benign for Catecholaminergic polymorphic ventricular tachycardia 1. Last evaluated: 2018-01-13. Review status: criteria provided, single submitter. Criteria: ICSL Variant Classification Criteria 13 December 2019. Collection method: clinical testing. Allele origin: germline.
Comment: This variant was observed in the ICSL laboratory as part of a predisposition screen in an ostensibly healthy population. It had not been previously curated by ICSL or reported in the Human Gene Mutation Database (HGMD: prior to June 1st, 2018), and was therefore a candidate for classification through an automated scoring system. Utilizing variant allele frequency, disease prevalence and penetrance estimates, and inheritance mode, an automated score was calculated to assess if this variant is too frequent to cause the disease. Based on the score and internal cut-off values, a variant classified as likely benign is not then subjected to further curation. The score for this variant resulted in a classification of likely benign for this disease.

Illumina Laboratory Services, Illumina
Classification: Uncertain significance for Catecholaminergic polymorphic ventricular tachycardia 1. Last evaluated: 2018-01-13. Review status: criteria provided, single submitter. Criteria: ICSL Variant Classification Criteria 13 December 2019. Collection method: clinical testing. Allele origin: germline.

Women's Health and Genetics/Laboratory Corporation of America, LabCorp
Classification: Benign. Last evaluated: 2017-02-03. Review status: criteria provided, single submitter. Criteria: LabCorp Variant Classification Summary - May 2015. Collection method: clinical testing. Allele origin: germline.
Comment: Variant summary: The RYR2 c.4734C>T (p.Pro1578Pro) variant involves the alteration of a non-conserved nucleotide, resulting in a synonymous change. One in silico tool predicts a damaging outcome for this variant. 3/5 splice prediction tools predict no significant impact on normal splicing. However, these predictions have yet to be confirmed by functional studies. This variant was found in 80/89090 control chromosomes, predominantly observed in the European (Non-Finnish) subpopulation at a frequency of 0.001592 (79/49632). This frequency is about 29 times the estimated maximal expected allele frequency of a pathogenic RYR2 variant (0.000055), suggesting this is likely a benign polymorphism found primarily in the populations of European (Non-Finnish) origin. In addition, one clinical diagnostic laboratory/reputable database classified this variant as likely benign. The variant of interest has not, to our knowledge, been reported in affected individuals via publications nor evaluated for functional impact by in vivo/vitro studies. Taken together, due to the synonymous nature of this variant, the lack of predicted effect on splicing, and the relatively high frequency in the control population, this variant is classified as benign.

GeneDx
Classification: Benign. Last evaluated: 2015-09-17. Review status: criteria provided, single submitter. Criteria: GeneDx Variant Classification (06012015). Collection method: clinical testing. Allele origin: germline. Affected: yes.
Comment: This variant is considered likely benign or benign based on one or more of the following criteria: it is a conservative change, it occurs at a poorly conserved position in the protein, it is predicted to be benign by multiple in silico algorithms, and/or has population frequency not consistent with disease.

Ambry Genetics
Classification: Benign for Cardiovascular phenotype. Last evaluated: 2015-07-21. Review status: criteria provided, single submitter. Criteria: Ambry Variant Classification Scheme 2023. Collection method: clinical testing. Allele origin: germline.

Laboratory for Molecular Medicine, Mass General Brigham Personalized Medicine
Classification: Likely benign. Last evaluated: 2012-05-17. Review status: criteria provided, single submitter. Criteria: LMM Criteria. Collection method: clinical testing. Allele origin: germline. Observed: 3 variant alleles.
Comment: Pro1578Pro in exon 36 of RYR2: This variant is not expected to have clinical sig nificance because it does not alter an amino acid residue and is not located wit hin the splice consensus sequence. It has been identified in 4/6620 European Ame rican chromosomes from a broad population by the NHLBI Exome Sequencing Project. Pro1578Pro in exon 36 of RYR2 (allele fr equency = 4/6620) **

NM_001035.3(RYR2):c.4734C>T (p.Pro1578=)

Gene: RYR2 (ryanodine receptor 2; plus strand). Cytogenetic location: 1q43.
Variant type: single nucleotide variant.
Coding change: c.4734C>T on transcript NM_001035.3 (MANE Select); coding-DNA position 4734, C replaced by T.
Protein change: p.Pro1578=; no amino-acid change (proline 1578 retained).
Molecular consequence: synonymous variant.
Genome position (GRCh38, 1-based): chr1:237,610,812, C>T. VCF-style: chr1-237610812-C-T. GRCh37 (hg19) VCF-style: chr1-237774112-C-T.
Identifiers: ClinVar variation 43794 (VCV000043794.69), dbSNP rs201880756, ClinGen allele CA009663.